The following is an entry in ClinVar:

NM_006767.4(LZTR1):c.1222_1224dup (p.Asp408_Asn409insAsp)

Gene: LZTR1 (leucine zipper like post translational regulator 1; plus strand). Cytogenetic location: 22q11.21.
Variant type: Duplication.
Coding change: c.1222_1224dup on transcript NM_006767.4 (MANE Select); coding-DNA positions 1222 to 1224, 3 bases duplicated (GAC; older notation c.1222_1224dupGAC).
Protein change: p.Asp408_Asn409insAsp.
Molecular consequence: inframe insertion.
Genome position (GRCh38, 1-based): chr22:20,992,866-20,992,868, GAC duplicated. VCF-style (leftmost placement, unchanged base first): chr22-20992865-G-GGAC. GRCh37 (hg19) VCF-style: chr22-21347154-G-GGAC.
Identifiers: ClinVar variation 4859392 (VCV004859392.1).

ClinVar aggregate classification (germline): Uncertain significance (1 of 4 stars; one submission).

Conditions:
Cardiovascular phenotype. Identifiers: MedGen CN230736.
Hereditary cancer-predisposing syndrome. Also called: Neoplastic Syndromes, Hereditary; Tumor predisposition; Hereditary Cancer Syndrome; Hereditary neoplastic syndrome. Identifiers: Orphanet 140162, MedGen C0027672, MeSH D009386, MONDO:0015356.

Submission:

Ambry Genetics
Classification: Uncertain significance for Cardiovascular phenotype; Hereditary cancer-predisposing syndrome. Last evaluated: 2026-04-24. Review status: criteria provided, single submitter. Criteria: Ambry Variant Classification Scheme 2023. Collection method: clinical testing. Allele origin: germline.
Comment: The c.1222_1224dupGAC variant (also known as p.D408dup), located in coding exon 11 of the LZTR1 gene, results from an in-frame duplication of GAC at nucleotide positions 1222 to 1224. This results in the duplication of an aspartic acid at codon 408. This amino acid position is highly conserved in available vertebrate species. In addition, this variant is predicted to be deleterious by in silico analysis (Choi Y et al. PLoS ONE. 2012; 7(10):e46688). Based on the available evidence, the clinical significance of this variant remains unclear.